The following is an entry in ClinVar:

ClinVar aggregate classification (germline): Likely benign. Review status: criteria provided, multiple submitters, no conflicts (2 of 4 stars). 2 submissions from 2 submitters: Likely benign (2). Last evaluated 2024-02-04.

Conditions:
Catecholaminergic polymorphic ventricular tachycardia (CVPT). Also called: Catecholamine-induced polymorphic ventricular tachycardia. Identifiers: Orphanet 3286, MedGen C5574922, MONDO:0017990.
Catecholaminergic polymorphic ventricular tachycardia 1. Also called: VENTRICULAR TACHYCARDIA, CATECHOLAMINERGIC POLYMORPHIC, 1, WITH OR WITHOUT ATRIAL DYSFUNCTION AND/OR DILATED CARDIOMYOPATHY; RYR2-Related Catecholaminergic Polymorphic Ventricular Tachycardia; VENTRICULAR TACHYCARDIA, STRESS-INDUCED POLYMORPHIC 1. Identifiers: Orphanet 3286, MedGen C1631597, MONDO:0011484, OMIM 604772.

Allele frequency attached by ClinVar (database versions not stated): gnomAD 0.00001.
gnomAD v4.1: 2 of 1,613,834 alleles (0.00012%); highest among the groups gnomAD compares: African/African-American, 0.0013%; no homozygotes.

Submissions (2):

Labcorp Genetics (formerly Invitae), Labcorp
Classification: Likely benign for Catecholaminergic polymorphic ventricular tachycardia 1. Last evaluated: 2024-02-04. Review status: criteria provided, single submitter. Criteria: Invitae Variant Classification Sherloc (09022015). Collection method: clinical testing. Allele origin: germline.

All of Us Research Program, National Institutes of Health
Classification: Likely benign for Catecholaminergic polymorphic ventricular tachycardia. Last evaluated: 2023-06-26. Review status: criteria provided, single submitter. Criteria: ACMG Guidelines, 2015. Collection method: clinical testing. Allele origin: germline. Inheritance: Autosomal dominant inheritance. Observed: 1 variant allele, 1 heterozygote.
Comment: This study involves interpretation of variants in research participants for the purpose of population health screening. Participant phenotype was not available at the time of variant classification. Additional details can be found in publication PMID: 35346344, PMCID: PMC8962531

NM_001035.3(RYR2):c.3348T>C (p.Gly1116=)

Gene: RYR2 (ryanodine receptor 2; plus strand). Cytogenetic location: 1q43.
Variant type: single nucleotide variant.
Coding change: c.3348T>C on transcript NM_001035.3 (MANE Select); coding-DNA position 3348, T replaced by C.
Protein change: p.Gly1116=; no amino-acid change (glycine 1116 retained).
Molecular consequence: synonymous variant.
Genome position (GRCh38, 1-based): chr1:237,566,700, T>C. VCF-style: chr1-237566700-T-C. GRCh37 (hg19) VCF-style: chr1-237730000-T-C.
Identifiers: ClinVar variation 1988302 (VCV001988302.5), dbSNP rs1325905816, ClinGen allele CA423819188.